The following is an entry in ClinVar:

NM_020297.4(ABCC9):c.2149G>A (p.Ala717Thr)

Gene: ABCC9 (ATP binding cassette subfamily C member 9; minus strand). Cytogenetic location: 12p12.1.
Variant type: single nucleotide variant.
Coding change: c.2149G>A on transcript NM_020297.4 (MANE Select); coding-DNA position 2149, G replaced by A.
Protein change: p.Ala717Thr; replaces alanine 717 with threonine.
Molecular consequence: missense variant.
Genome position (GRCh38, 1-based): chr12:21,872,674, C>T on the plus strand (G>A on the coding strand, the complement: ABCC9 is on the minus strand). VCF-style: chr12-21872674-C-T. GRCh37 (hg19) VCF-style: chr12-22025608-C-T.
Other names: c.2149G>A, p.Ala717Thr (NM_001377273.1, NM_005691.4); c.1285G>A, p.Ala429Thr (NM_001377274.1); short protein forms A717T, A429T.
Identifiers: ClinVar variation 45400 (VCV000045400.14), dbSNP rs397517187, ClinGen allele CA136256.

ClinVar aggregate classification (germline): Uncertain significance. Review status: criteria provided, multiple submitters, no conflicts (2 of 4 stars). 3 submissions from 3 submitters: Uncertain significance (3). Last evaluated 2025-09-20.

Conditions:
Dilated cardiomyopathy 1O (CMD1O). Also called: CARDIOMYOPATHY, DILATED, WITH VENTRICULAR TACHYCARDIA. Identifiers: Orphanet 154, MedGen C1837839, MONDO:0012062, OMIM 608569.

Allele frequency attached by ClinVar (database versions not stated): gnomAD exomes below 0.00001 and 0.00003; gnomAD 0.00001.
gnomAD v4.1: 37 of 1,613,682 alleles (0.0023%); highest among the groups gnomAD compares: Non-Finnish European, 0.0031%; no homozygotes.

Submissions (3):

Labcorp Genetics (formerly Invitae), Labcorp
Classification: Uncertain significance for Dilated cardiomyopathy 1O. Last evaluated: 2025-09-20. Review status: criteria provided, single submitter. Criteria: Invitae Variant Classification Sherloc (09022015). Collection method: clinical testing. Allele origin: germline.
Comment: This sequence change replaces alanine, which is neutral and non-polar, with threonine, which is neutral and polar, at codon 717 of the ABCC9 protein (p.Ala717Thr). This variant is present in population databases (rs397517187, gnomAD 0.0009%). This missense change has been observed in individual(s) with dilated cardiomyopathy (PMID: 27532257). ClinVar contains an entry for this variant (Variation ID: 45400). Invitae Evidence Modeling of protein sequence and biophysical properties (such as structural, functional, and spatial information, amino acid conservation, physicochemical variation, residue mobility, and thermodynamic stability) has been performed for this missense variant. However, the output from this modeling did not meet the statistical confidence thresholds required to predict the impact of this variant on ABCC9 protein function. In summary, the available evidence is currently insufficient to determine the role of this variant in disease. Therefore, it has been classified as a Variant of Uncertain Significance.

Blueprint Genetics
Classification: Uncertain significance. Last evaluated: 2024-05-13. Review status: criteria provided, single submitter. Criteria: ACMG Guidelines, 2015. Collection method: clinical testing. Allele origin: germline.

Laboratory for Molecular Medicine, Mass General Brigham Personalized Medicine
Classification: Uncertain significance. Last evaluated: 2012-06-11. Review status: criteria provided, single submitter. Criteria: LMM Criteria. Collection method: clinical testing. Allele origin: germline. Observed: 1 variant allele.
Comment: The Ala717Thr variant in ABCC9 has not been reported in the literature nor previ ously identified by our laboratory. Computational analyses (biochemical amino ac id properties, conservation, AlignGVGD, PolyPhen2, and SIFT) do not provide stro ng support for or against an impact to the protein. Additional information is ne eded to fully assess the clinical significance of this variant.

Literature cited by the submitters: PubMed 27532257 (cited by Labcorp Genetics (formerly Invitae), Labcorp).